The following is an entry in ClinVar:

ClinVar aggregate classification (germline): Uncertain significance (1 of 4 stars; one submission).

Allele frequency attached by ClinVar (database versions not stated): gnomAD exomes below 0.00001.

Submission:

Labcorp Genetics (formerly Invitae), Labcorp
Classification: Uncertain significance. Last evaluated: 2022-07-04. Review status: criteria provided, single submitter. Criteria: Invitae Variant Classification Sherloc (09022015). Collection method: clinical testing. Allele origin: germline.
Comment: In summary, the available evidence is currently insufficient to determine the role of this variant in disease. Therefore, it has been classified as a Variant of Uncertain Significance. This sequence change replaces methionine, which is neutral and non-polar, with valine, which is neutral and non-polar, at codon 1393 of the HMCN1 protein (p.Met1393Val). This variant is present in population databases (rs749320640, gnomAD 0.0009%). This variant has not been reported in the literature in individuals affected with HMCN1-related conditions. Algorithms developed to predict the effect of missense changes on protein structure and function output the following: SIFT: "Tolerated"; PolyPhen-2: "Benign"; Align-GVGD: "Class C0". The valine amino acid residue is found in multiple mammalian species, which suggests that this missense change does not adversely affect protein function.

NM_031935.3(HMCN1):c.4177A>G (p.Met1393Val)

Gene: HMCN1 (hemicentin 1; plus strand). Cytogenetic location: 1q31.1.
Variant type: single nucleotide variant.
Coding change: c.4177A>G on transcript NM_031935.3 (MANE Select); coding-DNA position 4177, A replaced by G.
Protein change: p.Met1393Val; replaces methionine 1393 with valine.
Molecular consequence: missense variant.
Genome position (GRCh38, 1-based): chr1:186,001,405, A>G. VCF-style: chr1-186001405-A-G. GRCh37 (hg19) VCF-style: chr1-185970537-A-G.
Other names: short protein forms M1393V.
Identifiers: ClinVar variation 2014155 (VCV002014155.4), dbSNP rs749320640, ClinGen allele CA1291926.